The following is an entry in ClinVar:

ClinVar aggregate classification (germline): Likely benign. Review status: criteria provided, multiple submitters, no conflicts (2 of 4 stars). 2 submissions from 2 submitters: Likely benign (2). Last evaluated 2025-12-01.

Allele frequency attached by ClinVar (database versions not stated): TOPMed below 0.00001; gnomAD 0.00001; gnomAD exomes 0.00001; ExAC 0.00002.
gnomAD v4.1: 11 of 1,614,112 alleles (0.00068%); highest among the groups gnomAD compares: East Asian, 0.0045%; no homozygotes.

Submissions (2):

CeGaT Center for Human Genetics Tuebingen
Classification: Likely benign. Last evaluated: 2025-12-01. Review status: criteria provided, single submitter. Criteria: CeGaT Center For Human Genetics Tuebingen Variant Classification Criteria Version 2. Collection method: clinical testing. Allele origin: germline. Affected: yes. Observed: 1 variant allele.
Comment: NBAS: BP4, BP7

Labcorp Genetics (formerly Invitae), Labcorp
Classification: Likely benign. Last evaluated: 2025-01-01. Review status: criteria provided, single submitter. Criteria: Invitae Variant Classification Sherloc (09022015). Collection method: clinical testing. Allele origin: germline.

NM_015909.4(NBAS):c.6855T>C (p.Asn2285=)

Gene: NBAS (NBAS subunit of NRZ tethering complex; minus strand). Cytogenetic location: 2p24.3.
Variant type: single nucleotide variant.
Coding change: c.6855T>C on transcript NM_015909.4 (MANE Select); coding-DNA position 6855, T replaced by C.
Protein change: p.Asn2285=; no amino-acid change (asparagine 2285 retained).
Molecular consequence: synonymous variant. On other transcripts: non-coding transcript variant (1).
Genome position (GRCh38, 1-based): chr2:15,167,309, A>G on the plus strand (T>C on the coding strand, the complement: NBAS is on the minus strand). VCF-style: chr2-15167309-A-G. GRCh37 (hg19) VCF-style: chr2-15307433-A-G.
Identifiers: ClinVar variation 1899690 (VCV001899690.10), dbSNP rs765301563, ClinGen allele CA1534826.